The following is an entry in ClinVar:

NM_003919.3(SGCE):c.510T>C (p.Asn170=)

Genes: CASD1 (CAS1 domain sialic acid O acetyltransferase 1; plus strand), SGCE (sarcoglycan epsilon; minus strand). Cytogenetic location: 7q21.3.
Variant type: single nucleotide variant.
Coding change: c.510T>C on transcript NM_003919.3 (MANE Select); coding-DNA position 510, T replaced by C.
Protein change: p.Asn170=; no amino-acid change (asparagine 170 retained).
Molecular consequence: synonymous variant.
Genome position (GRCh38, 1-based): chr7:94,618,910, A>G on the plus strand (T>C on the coding strand, the complement: SGCE is on the minus strand). VCF-style: chr7-94618910-A-G. GRCh37 (hg19) VCF-style: chr7-94248222-A-G.
Other names: c.510T>C, p.Asn170= (NM_001099400.2, NM_001099401.2, NM_001346717.2); c.387T>C, p.Asn129= (NM_001301139.2, NM_001362809.2); c.618T>C, p.Asn206= (NM_001346713.2, NM_001346715.2); c.423T>C, p.Asn141= (NM_001346719.2, NM_001362807.2); c.237T>C, p.Asn79= (NM_001346720.2, NM_001362808.2).
Identifiers: ClinVar variation 360994 (VCV000360994.56), dbSNP rs55853245, ClinGen allele CA4348777.

ClinVar aggregate classification (germline): Conflicting classifications of pathogenicity. Review status: criteria provided, conflicting classifications (1 of 4 stars). 4 submissions from 4 submitters: Uncertain significance (1); Benign (1); Likely benign (2). Last evaluated 2025-05-19.

Conditions:
Myoclonic dystonia 11 (DYT11). Also called: SGCE Myoclonus-Dystonia; DYT-SGCE; Myoclonus-Dystonia; Myoclonic dystonia; Dystonia 11; Dystonia, alcohol responsive. Identifiers: Orphanet 36899, MedGen C1834570, MONDO:0008044, OMIM 159900.

Allele frequency attached by ClinVar (database versions not stated): ExAC 0.00010; gnomAD exomes 0.00014 and 0.00017; ESP Exome Variant Server 0.00015; 1000 Genomes Project 0.00020; 1000 Genomes Project 30x 0.00031; gnomAD 0.00036 and 0.00037; TOPMed 0.00039.
gnomAD v4.1: 306 of 1,614,018 alleles (0.019%); highest among the groups gnomAD compares: Admixed American, 0.085%; no homozygotes.

Submissions (4):

Labcorp Genetics (formerly Invitae), Labcorp
Classification: Likely benign for Myoclonic dystonia 11. Last evaluated: 2025-05-19. Review status: criteria provided, single submitter. Criteria: Invitae Variant Classification Sherloc (09022015). Collection method: clinical testing. Allele origin: germline.

Women's Health and Genetics/Laboratory Corporation of America, LabCorp
Classification: Likely benign. Last evaluated: 2025-04-14. Review status: criteria provided, single submitter. Criteria: LabCorp Variant Classification Summary - May 2015. Collection method: clinical testing. Allele origin: germline.

Illumina Laboratory Services, Illumina
Classification: Benign for Myoclonic dystonia 11. Last evaluated: 2018-01-12. Review status: criteria provided, single submitter. Criteria: ICSL Variant Classification Criteria 13 December 2019. Collection method: clinical testing. Allele origin: germline.
Comment: This variant was observed in the ICSL laboratory as part of a predisposition screen in an ostensibly healthy population. It had not been previously curated by ICSL or reported in the Human Gene Mutation Database (HGMD: prior to June 1st, 2018), and was therefore a candidate for classification through an automated scoring system. Utilizing variant allele frequency, disease prevalence and penetrance estimates, and inheritance mode, an automated score was calculated to assess if this variant is too frequent to cause the disease. Based on the score and internal cut-off values, a variant classified as benign is not then subjected to further curation. The score for this variant resulted in a classification of benign for this disease.

CeGaT Center for Human Genetics Tuebingen
Classification: Uncertain significance. Last evaluated: 2017-12-01. Review status: criteria provided, single submitter. Criteria: CeGaT Center For Human Genetics Tuebingen Variant Classification Criteria Version 2. Collection method: clinical testing. Allele origin: germline. Affected: yes. Observed: 1 variant allele.